The following is an entry in ClinVar:

NM_001378454.1(ALMS1):c.9764T>C (p.Phe3255Ser)

Gene: ALMS1 (ALMS1 centrosome and basal body associated protein; plus strand). Cytogenetic location: 2p13.1.
Variant type: single nucleotide variant.
Coding change: c.9764T>C on transcript NM_001378454.1 (MANE Select); coding-DNA position 9764, T replaced by C.
Protein change: p.Phe3255Ser; replaces phenylalanine 3255 with serine.
Molecular consequence: missense variant.
Genome position (GRCh38, 1-based): chr2:73,519,999, T>C. VCF-style: chr2-73519999-T-C. GRCh37 (hg19) VCF-style: chr2-73747126-T-C.
Other names: c.9767T>C, p.Phe3256Ser (NM_015120.4); short protein forms F3255S, F3256S.
Identifiers: ClinVar variation 2626182 (VCV002626182.4), dbSNP rs2466304073, ClinGen allele CA347281423.
Genomic context (GRCh38, chr2:73,519,999, plus strand): 5'-AGAAGCTACGCAAAGCTCCTGTCAAGTTTGCCTCATCATCTTCAGTCCAACAGGTTACTT[T>C]TTCTCGCGGCACAGATGGTAAGAGAATGTGATTGCATTTTAGATTGTTAGACCAGCTCTT-3'
Protein context (NP_001365383.1, residues 3245-3265): ASSSSVQQVT[Phe3255Ser]SRGTDGQPLL

ClinVar aggregate classification (germline): Uncertain significance. Review status: criteria provided, multiple submitters, no conflicts (2 of 4 stars). 2 submissions from 2 submitters: Uncertain significance (2). Last evaluated 2024-07-30.

Conditions:
Cardiovascular phenotype. Identifiers: MedGen CN230736.
Alstrom syndrome (ALMS). Identifiers: Orphanet 64, MedGen C0268425, MONDO:0008763, OMIM 203800.

Submissions (2):

Labcorp Genetics (formerly Invitae), Labcorp
Classification: Uncertain significance for Alstrom syndrome. Last evaluated: 2024-07-30. Review status: criteria provided, single submitter. Criteria: Invitae Variant Classification Sherloc (09022015). Collection method: clinical testing. Allele origin: germline.
Comment: This sequence change replaces phenylalanine, which is neutral and non-polar, with serine, which is neutral and polar, at codon 3256 of the ALMS1 protein (p.Phe3256Ser). This variant is not present in population databases (gnomAD no frequency). This variant has not been reported in the literature in individuals affected with ALMS1-related conditions. ClinVar contains an entry for this variant (Variation ID: 2626182). Experimental studies and prediction algorithms are not available or were not evaluated, and the functional significance of this variant is currently unknown. In summary, the available evidence is currently insufficient to determine the role of this variant in disease. Therefore, it has been classified as a Variant of Uncertain Significance.

Ambry Genetics
Classification: Uncertain significance for Cardiovascular phenotype. Last evaluated: 2023-06-30. Review status: criteria provided, single submitter. Criteria: Ambry Variant Classification Scheme 2023. Collection method: clinical testing. Allele origin: germline.
Comment: The p.F3256S variant (also known as c.9767T>C), located in coding exon 11 of the ALMS1 gene, results from a T to C substitution at nucleotide position 9767. The phenylalanine at codon 3256 is replaced by serine, an amino acid with highly dissimilar properties. This amino acid position is poorly conserved in available vertebrate species. In addition, this alteration is predicted to be tolerated by in silico analysis. Since supporting evidence is limited at this time, the clinical significance of this alteration remains unclear.